The following is an entry in ClinVar:

ClinVar aggregate classification (germline): Pathogenic/Likely pathogenic. Review status: criteria provided, multiple submitters, no conflicts (2 of 4 stars). 2 submissions from 2 submitters: Pathogenic (1); Likely pathogenic (1). Last evaluated 2024-05-07.

Conditions:
Capillary malformation-arteriovenous malformation 1 (CMAVM1). Identifiers: Orphanet 137667, Orphanet 693907, MedGen C4747394, MONDO:0020783, OMIM 608354.
RASA1-related disorder. Also called: RASA1-related condition.

Submissions (2):

Blueprint Genetics
Classification: Likely pathogenic for RASA1-related disorders. Last evaluated: 2024-05-07. Review status: criteria provided, single submitter. Criteria: ACMG Guidelines, 2015. Collection method: clinical testing. Allele origin: germline. Affected: yes. Observed: 1 variant allele.

Seattle Children's Hospital Molecular Genetics Laboratory, Seattle Children's Hospital
Classification: Pathogenic for Capillary malformation-arteriovenous malformation 1. Review status: criteria provided, single submitter. Criteria: ACMG Guidelines, 2015. Collection method: clinical testing. Allele origin: germline. Affected: yes.
Comment: The heterozygous c.1934_1934+1del variant results in a deletion of two nucleotides, including the canonical splice donor position for intron 14 of the RASA1 gene. The c.1934_1934+1del variant is absent from large population databases (gnomAD v4.0.0 and AllofUs). Loss of this splice donor site is predicted to result in loss of protein function of RASA1. While the c.1934_1934+1del variant has not been reported in the medical literature or patient databases, loss-of-function is an established pathogenic mechanism of RASA1 variants causing Capillary Malformation-Arteriovenous Malformation Syndrome 1 (CM-AVM1, MIM: 608354).

NM_002890.3(RASA1):c.1934_1934+1del

Genes: CCNH (cyclin H; minus strand), RASA1 (RAS p21 protein activator 1; plus strand). Cytogenetic location: 5q14.3.
Variant type: Deletion.
Coding change: c.1934_1934+1del on transcript NM_002890.3 (MANE Select); coding-DNA position 1934 through the canonical splice donor site of the intron after coding-DNA position 1934, 2 bases deleted (AG; older notation c.1934_1934+1delAG).
Molecular consequence: splice donor variant. On other transcripts: intron variant (1).
Genome position (GRCh38, 1-based): chr5:87,374,320-87,374,321, AG deleted; deleting any 2 consecutive bases within chr5:87,374,319-87,374,321 gives the same sequence; the c. name uses the placement nearest the transcript's 3' end. VCF-style (leftmost placement, unchanged base first): chr5-87374318-TGA-T. GRCh37 (hg19) VCF-style: chr5-86670135-TGA-T.
Other names: c.1403_1403+1del (NM_022650.3); c.933+20724_933+20725del (NM_001364075.2).
Identifiers: ClinVar variation 3340453 (VCV003340453.2).